The following is an entry in ClinVar:

NM_003412.4(ZIC1):c.586G>A (p.Gly196Ser)

Gene: ZIC1 (Zic family zinc finger 1; plus strand). Cytogenetic location: 3q24.
Variant type: single nucleotide variant.
Coding change: c.586G>A on transcript NM_003412.4 (MANE Select); coding-DNA position 586, G replaced by A.
Protein change: p.Gly196Ser; replaces glycine 196 with serine.
Molecular consequence: missense variant.
Genome position (GRCh38, 1-based): chr3:147,410,698, G>A. VCF-style: chr3-147410698-G-A. GRCh37 (hg19) VCF-style: chr3-147128485-G-A.
Other names: c.586G>A (NM_003412.3); short protein forms G196S.
Identifiers: ClinVar variation 2127869 (VCV002127869.5), dbSNP rs764570223, ClinGen allele CA2657106.

ClinVar aggregate classification (germline): Uncertain significance. Review status: criteria provided, multiple submitters, no conflicts (2 of 4 stars). 2 submissions from 2 submitters: Uncertain significance (2). Last evaluated 2025-04-14.

Allele frequency attached by ClinVar (database versions not stated): ExAC 0.00001.

Submissions (2):

GeneDx
Classification: Uncertain significance. Last evaluated: 2025-04-14. Review status: criteria provided, single submitter. Criteria: GeneDx Variant Classification Process June 2021. Collection method: clinical testing. Allele origin: germline. Affected: yes.
Comment: In silico analysis indicates that this missense variant does not alter protein structure/function; Has not been previously published as pathogenic or benign to our knowledge

Labcorp Genetics (formerly Invitae), Labcorp
Classification: Uncertain significance. Last evaluated: 2022-11-01. Review status: criteria provided, single submitter. Criteria: Invitae Variant Classification Sherloc (09022015). Collection method: clinical testing. Allele origin: germline.
Comment: In summary, the available evidence is currently insufficient to determine the role of this variant in disease. Therefore, it has been classified as a Variant of Uncertain Significance. Advanced modeling of protein sequence and biophysical properties (such as structural, functional, and spatial information, amino acid conservation, physicochemical variation, residue mobility, and thermodynamic stability) performed at Invitae indicates that this missense variant is not expected to disrupt ZIC1 protein function. This variant has not been reported in the literature in individuals affected with ZIC1-related conditions. This variant is present in population databases (rs764570223, gnomAD 0.0009%). This sequence change replaces glycine, which is neutral and non-polar, with serine, which is neutral and polar, at codon 196 of the ZIC1 protein (p.Gly196Ser).